The following is an entry in ClinVar:

ClinVar aggregate classification (germline): Uncertain significance (1 of 4 stars; one submission).

Conditions:
Perlman syndrome (PRLMNS). Identifiers: Orphanet 2849, MedGen C0796113, MONDO:0009965, OMIM 267000.

Allele frequency attached by ClinVar (database versions not stated): TOPMed below 0.00001; gnomAD 0.00001.
gnomAD v4.1: 1 of 1,613,944 alleles (0.000062%); highest among the groups gnomAD compares: Non-Finnish European, 0.000085%; no homozygotes.

Submission:

Labcorp Genetics (formerly Invitae), Labcorp
Classification: Uncertain significance for Perlman syndrome. Last evaluated: 2023-10-09. Review status: criteria provided, single submitter. Criteria: Invitae Variant Classification Sherloc (09022015). Collection method: clinical testing. Allele origin: germline.
Comment: This sequence change replaces tyrosine, which is neutral and polar, with histidine, which is basic and polar, at codon 340 of the DIS3L2 protein (p.Tyr340His). This variant is not present in population databases (gnomAD no frequency). This variant has not been reported in the literature in individuals affected with DIS3L2-related conditions. Advanced modeling of protein sequence and biophysical properties (such as structural, functional, and spatial information, amino acid conservation, physicochemical variation, residue mobility, and thermodynamic stability) performed at Invitae indicates that this missense variant is not expected to disrupt DIS3L2 protein function. In summary, the available evidence is currently insufficient to determine the role of this variant in disease. Therefore, it has been classified as a Variant of Uncertain Significance.

NM_152383.5(DIS3L2):c.1018T>C (p.Tyr340His)

Gene: DIS3L2 (DIS3 like 3'-5' exoribonuclease 2; plus strand). Cytogenetic location: 2q37.1.
Variant type: single nucleotide variant.
Coding change: c.1018T>C on transcript NM_152383.5 (MANE Select); coding-DNA position 1018, T replaced by C.
Protein change: p.Tyr340His; replaces tyrosine 340 with histidine.
Molecular consequence: missense variant. On other transcripts: non-coding transcript variant (2).
Genome position (GRCh38, 1-based): chr2:232,163,526, T>C. VCF-style: chr2-232163526-T-C. GRCh37 (hg19) VCF-style: chr2-233028236-T-C.
Other names: c.1018T>C, p.Tyr340His (NM_001257281.2); short protein forms Y340H.
Identifiers: ClinVar variation 2763312 (VCV002763312.3), dbSNP rs1273473632, ClinGen allele CA351154301.